The following is an entry in ClinVar:

ClinVar aggregate classification (germline): Uncertain significance. Review status: criteria provided, multiple submitters, no conflicts (2 of 4 stars). 3 submissions from 3 submitters: Uncertain significance (3). Last evaluated 2024-01-07.

Conditions:
Colorectal cancer, susceptibility to, 1. Also called: COLORECTAL ADENOMA AND CANCER, SUSCEPTIBILITY TO; COLORECTAL CANCER, SUSCEPTIBILITY TO, ON CHROMOSOME 9. Identifiers: MedGen C1837315, MONDO:0012132, OMIM 608812.

Allele frequency attached by ClinVar (database versions not stated): gnomAD 0.00001; gnomAD exomes 0.00001; TOPMed 0.00001.
gnomAD v4.1: 17 of 1,613,990 alleles (0.0011%); highest among the groups gnomAD compares: Non-Finnish European, 0.0014%; no homozygotes.

Submissions (3):

Ambry Genetics
Classification: Uncertain significance. Last evaluated: 2024-01-07. Review status: criteria provided, single submitter. Criteria: Ambry Variant Classification Scheme 2023. Collection method: clinical testing. Allele origin: germline.
Comment: The p.Y396C variant (also known as c.1187A>G), located in coding exon 6 of the GALNT12 gene, results from an A to G substitution at nucleotide position 1187. The tyrosine at codon 396 is replaced by cysteine, an amino acid with highly dissimilar properties. This alteration has been reported in a clinic-based high-risk colorectal cancer cohort (Clarke E et al. Hum. Mutat. 2012 Jul;33(7):1056-8). An enzymatic functional assay has shown that p.Y396C results in a significant loss of GALNT12 activity (Evans D et al. Hum. Mutat. 2018 08;39(8):1092-1101). This amino acid position is highly conserved in available vertebrate species. In addition, this alteration is predicted to be deleterious by in silico analysis. Since supporting evidence is limited at this time, the clinical significance of this alteration remains unclear.

Baylor Genetics
Classification: Uncertain significance for Colorectal cancer, susceptibility to, 1. Last evaluated: 2023-12-14. Review status: criteria provided, single submitter. Criteria: ACMG Guidelines, 2015. Collection method: clinical testing. Allele origin: unknown.

Labcorp Genetics (formerly Invitae), Labcorp
Classification: Uncertain significance. Last evaluated: 2022-07-25. Review status: criteria provided, single submitter. Criteria: Invitae Variant Classification Sherloc (09022015). Collection method: clinical testing. Allele origin: germline.
Comment: In summary, the available evidence is currently insufficient to determine the role of this variant in disease. Therefore, it has been classified as a Variant of Uncertain Significance. Experimental studies have shown that this missense change affects GALNT12 function (PMID: 29749045). Algorithms developed to predict the effect of missense changes on protein structure and function are either unavailable or do not agree on the potential impact of this missense change (SIFT: "Deleterious"; PolyPhen-2: "Probably Damaging"; Align-GVGD: "Class C0"). ClinVar contains an entry for this variant (Variation ID: 1016792). This missense change has been observed in individual(s) with colorectal cancer (PMID: 22461326). This variant is not present in population databases (gnomAD no frequency). This sequence change replaces tyrosine, which is neutral and polar, with cysteine, which is neutral and slightly polar, at codon 396 of the GALNT12 protein (p.Tyr396Cys).

Literature cited by the submitters: PubMed 29749045 (cited by Labcorp Genetics (formerly Invitae), Labcorp); PubMed 22461326 (cited by Labcorp Genetics (formerly Invitae), Labcorp).

NM_024642.5(GALNT12):c.1187A>G (p.Tyr396Cys)

Gene: GALNT12 (polypeptide N-acetylgalactosaminyltransferase 12; plus strand). Cytogenetic location: 9q22.33.
Variant type: single nucleotide variant.
Coding change: c.1187A>G on transcript NM_024642.5 (MANE Select); coding-DNA position 1187, A replaced by G.
Protein change: p.Tyr396Cys; replaces tyrosine 396 with cysteine.
Molecular consequence: missense variant.
Genome position (GRCh38, 1-based): chr9:98,837,123, A>G. VCF-style: chr9-98837123-A-G. GRCh37 (hg19) VCF-style: chr9-101599405-A-G.
Other names: short protein forms Y396C.
Identifiers: ClinVar variation 1016792 (VCV001016792.12), dbSNP rs1272530441, ClinGen allele CA374220016.